The following is an entry in ClinVar:

ClinVar aggregate classification (germline): Pathogenic. Review status: criteria provided, multiple submitters, no conflicts (2 of 4 stars). 3 submissions from 3 submitters: Pathogenic (3). Last evaluated 2024-05-20.

Conditions:
Retinoblastoma (RB1). Also called: RETINOBLASTOMA, SOMATIC. Identifiers: Orphanet 790, MedGen C0035335, MeSH D012175, MONDO:0008380, OMIM 180200, HP:0009919. Disease mechanism: loss of function. Inheritance: Both sporadic and heritable forms are tested..

Submissions (3):

Genetic Diagnostic Laboratory, University of Pennsylvania School of Medicine
Classification: Pathogenic for Retinoblastoma. Last evaluated: 2024-05-20. Review status: criteria provided, single submitter. Criteria: ACMG Guidelines, 2015. Collection method: clinical testing. Allele origin: germline. Affected: yes. Observed: 1 variant allele.
Comment: Case and Pedigree Information: BILATERAL CASES:1, UNILATERAL CASES:0, TOTAL CASES:1, PEDIGREES:1. ACMG Codes Applied:PVS1, PM2

Labcorp Genetics (formerly Invitae), Labcorp
Classification: Pathogenic for Retinoblastoma. Last evaluated: 2024-04-18. Review status: criteria provided, single submitter. Criteria: Invitae Variant Classification Sherloc (09022015). Collection method: clinical testing. Allele origin: germline.
Comment: This sequence change creates a premature translational stop signal (p.Gln444*) in the RB1 gene. It is expected to result in an absent or disrupted protein product. Loss-of-function variants in RB1 are known to be pathogenic (PMID: 17096365). This variant is not present in population databases (gnomAD no frequency). This premature translational stop signal has been observed in individual(s) with retinoblastoma (PMID: 12541220). ClinVar contains an entry for this variant (Variation ID: 2576844). Studies have shown that this premature translational stop signal is associated with inconclusive levels of altered splicing (Invitae). For these reasons, this variant has been classified as Pathogenic.

GeneDx
Classification: Pathogenic. Last evaluated: 2023-02-15. Review status: criteria provided, single submitter. Criteria: GeneDx Variant Classification Process June 2021. Collection method: clinical testing. Allele origin: germline. Affected: yes.
Comment: Nonsense variant predicted to result in protein truncation or nonsense mediated decay in a gene for which loss of function is a known mechanism of disease; Not observed at significant frequency in large population cohorts (gnomAD); This variant is associated with the following publications: (PMID: 25525159, 34666222, 17205527, 29568217, 12541220)

Literature cited by the submitters: PubMed 17096365 (cited by Labcorp Genetics (formerly Invitae), Labcorp); PubMed 12541220 (cited by Labcorp Genetics (formerly Invitae), Labcorp).

NM_000321.3(RB1):c.1330C>T (p.Gln444Ter)

Gene: RB1 (RB transcriptional corepressor 1; plus strand). Cytogenetic location: 13q14.2.
Variant type: single nucleotide variant.
Coding change: c.1330C>T on transcript NM_000321.3 (MANE Select); coding-DNA position 1330, C replaced by T.
Protein change: p.Gln444Ter; replaces glutamine 444 with a stop codon.
Molecular consequence: nonsense.
Genome position (GRCh38, 1-based): chr13:48,377,032, C>T. VCF-style: chr13-48377032-C-T. GRCh37 (hg19) VCF-style: chr13-48951168-C-T.
Other names: c.1330C>T, p.Gln444Ter (NM_001407165.1, NM_001407166.1); short protein forms Q444*.
Identifiers: ClinVar variation 2576844 (VCV002576844.4), dbSNP rs2138136807, ClinGen allele CA388162188.